The following is an entry in ClinVar:

GRCh38/hg38 17q25.3(chr17:82549058-83086677)x1

Genes: B3GNTL1 (UDP-GlcNAc:betaGal beta-1,3-N-acetylglucosaminyltransferase like 1), FN3K (fructosamine 3 kinase; plus strand), FN3KRP (fructosamine 3 kinase related protein; plus strand), FOXK2 (forkhead box K2; plus strand), FOXK2-AS1 (FOXK2 antisense RNA 1; minus strand) and 37 more. Cytogenetic location: 17q25.3.
Variant type: copy number loss.
Change: copy number 1 (one copy instead of two) of chr17:82,549,058-83,086,677 (537.6 kb, GRCh38 coordinates, 1-based), cytogenetic band 17q25.3.
Identifiers: ClinVar variation 57460 (VCV000057460.1).

ClinVar aggregate classification (germline): Uncertain significance (1 of 4 stars; one submission).

Submission:

ISCA site 4
Classification: Uncertain significance. Last evaluated: 2011-08-12. Review status: criteria provided, single submitter. Criteria: Kaminsky et al. (Genet Med. 2011). Collection method: clinical testing. Allele origin: unknown. Affected: yes. Observed: 1 variant allele.
Comment: Copy number variation identified through the course of routine clinical cytogenomic testing in postnatal populations. Clinical assertions have been curated as described in Kaminsky et al. 2011.